The following is an entry in ClinVar:

ClinVar aggregate classification (germline): Uncertain significance (1 of 4 stars; one submission).

Conditions:
Neuroblastoma, susceptibility to, 3. Also called: ALK-Related Neuroblastic Tumor Susceptibility. Identifiers: Orphanet 635, MedGen C2751681, MONDO:0013083, OMIM 613014.

Submission:

Labcorp Genetics (formerly Invitae), Labcorp
Classification: Uncertain significance for Neuroblastoma, susceptibility to, 3. Last evaluated: 2021-12-23. Review status: criteria provided, single submitter. Criteria: Invitae Variant Classification Sherloc (09022015). Collection method: clinical testing. Allele origin: germline.
Comment: In summary, the available evidence is currently insufficient to determine the role of this variant in disease. Therefore, it has been classified as a Variant of Uncertain Significance. Algorithms developed to predict the effect of missense changes on protein structure and function (SIFT, PolyPhen-2, Align-GVGD) all suggest that this variant is likely to be disruptive. This variant has not been reported in the literature in individuals affected with ALK-related conditions. This variant is not present in population databases (gnomAD no frequency). This sequence change replaces valine, which is neutral and non-polar, with isoleucine, which is neutral and non-polar, at codon 1180 of the ALK protein (p.Val1180Ile).

NM_004304.5(ALK):c.3538G>A (p.Val1180Ile)

Gene: ALK (ALK receptor tyrosine kinase; minus strand). Cytogenetic location: 2p23.2.
Variant type: single nucleotide variant.
Coding change: c.3538G>A on transcript NM_004304.5 (MANE Select); coding-DNA position 3538, G replaced by A.
Protein change: p.Val1180Ile; replaces valine 1180 with isoleucine.
Molecular consequence: missense variant.
Genome position (GRCh38, 1-based): chr2:29,220,813, C>T on the plus strand (G>A on the coding strand, the complement: ALK is on the minus strand). VCF-style: chr2-29220813-C-T. GRCh37 (hg19) VCF-style: chr2-29443679-C-T.
Other names: c.334G>A, p.Val112Ile (NM_001353765.2); short protein forms V112I, V1180I.
Identifiers: ClinVar variation 2056207 (VCV002056207.4), dbSNP rs2148166660, ClinGen allele CA346473151.